The following is an entry in ClinVar:

NM_021098.3(CACNA1H):c.1841C>T (p.Pro614Leu)

Gene: CACNA1H (calcium voltage-gated channel subunit alpha1 H; plus strand). Cytogenetic location: 16p13.3.
Variant type: single nucleotide variant.
Coding change: c.1841C>T on transcript NM_021098.3 (MANE Select); coding-DNA position 1841, C replaced by T.
Protein change: p.Pro614Leu; replaces proline 614 with leucine.
Molecular consequence: missense variant.
Genome position (GRCh38, 1-based): chr16:1,202,291, C>T. VCF-style: chr16-1202291-C-T. GRCh37 (hg19) VCF-style: chr16-1252291-C-T.
Other names: c.1841C>T, p.Pro614Leu (NM_001005407.2); short protein forms P614L.
Identifiers: ClinVar variation 3758515 (VCV003758515.2).

ClinVar aggregate classification (germline): Uncertain significance (1 of 4 stars; one submission).

Conditions:
Idiopathic generalized epilepsy. Also called: EIG; Generalised epilepsy. Identifiers: MedGen C0270850, MONDO:0005579, OMIM 600669.
Hyperaldosteronism, familial, type IV (HALD4). Also called: FH IV; ALDOSTERONISM, PRIMARY, AND HYPERTENSION. Identifiers: Orphanet 642671, MedGen C4310756, MONDO:0014875, OMIM 617027.

Submission:

Labcorp Genetics (formerly Invitae), Labcorp
Classification: Uncertain significance for Idiopathic generalized epilepsy; Hyperaldosteronism, familial, type IV. Last evaluated: 2024-11-06. Review status: criteria provided, single submitter. Criteria: Invitae Variant Classification Sherloc (09022015). Collection method: clinical testing. Allele origin: germline.
Comment: This sequence change replaces proline, which is neutral and non-polar, with leucine, which is neutral and non-polar, at codon 614 of the CACNA1H protein (p.Pro614Leu). This variant is not present in population databases (gnomAD no frequency). This variant has not been reported in the literature in individuals affected with CACNA1H-related conditions. Invitae Evidence Modeling of protein sequence and biophysical properties (such as structural, functional, and spatial information, amino acid conservation, physicochemical variation, residue mobility, and thermodynamic stability) has been performed for this missense variant. However, the output from this modeling did not meet the statistical confidence thresholds required to predict the impact of this variant on CACNA1H protein function. In summary, the available evidence is currently insufficient to determine the role of this variant in disease. Therefore, it has been classified as a Variant of Uncertain Significance.